The following is an entry in ClinVar:

NM_000143.4(FH):c.1390+1G>A

Gene: FH (fumarate hydratase; minus strand). Cytogenetic location: 1q43.
Variant type: single nucleotide variant.
Coding change: c.1390+1G>A on transcript NM_000143.4 (MANE Select); the canonical splice donor site of the intron after coding-DNA position 1390, G replaced by A.
Molecular consequence: splice donor variant.
Genome position (GRCh38, 1-based): chr1:241,500,436, C>T on the plus strand (G>A on the coding strand, the complement: FH is on the minus strand). VCF-style: chr1-241500436-C-T. GRCh37 (hg19) VCF-style: chr1-241663736-C-T.
Identifiers: ClinVar variation 4732393 (VCV004732393.1).

ClinVar aggregate classification (germline): Pathogenic (1 of 4 stars; one submission).

Submission:

Labcorp Genetics (formerly Invitae), Labcorp
Classification: Pathogenic. Last evaluated: 2025-12-17. Review status: criteria provided, single submitter. Criteria: Invitae Variant Classification Sherloc (09022015). Collection method: clinical testing. Allele origin: germline.
Comment: This sequence change affects a donor splice site in intron 9 of the FH gene. While this variant is not anticipated to result in nonsense mediated decay, it likely alters RNA splicing and results in a disrupted protein product. This variant is not present in population databases (gnomAD no frequency). This variant has not been reported in the literature in individuals affected with FH-related conditions. Variants that disrupt the consensus splice site are a relatively common cause of aberrant splicing (PMID: 17576681, 9536098). Algorithms developed to predict the effect of sequence changes on RNA splicing suggest that this variant may disrupt the consensus splice site. This variant disrupts a region of the FH protein in which other variant(s) (p.Trp500*) have been determined to be pathogenic (PMID: 9635293, 21398687). This suggests that this is a clinically significant region of the protein, and that variants that disrupt it are likely to be disease-causing. For these reasons, this variant has been classified as Pathogenic.

Literature cited by the submitters: PubMed 17576681; PubMed 9536098; PubMed 9635293; PubMed 21398687.